The following is an entry in ClinVar:

NM_000038.6(APC):c.6279C>T (p.Ser2093=)

Gene: APC (APC regulator of Wnt signaling pathway; plus strand). Cytogenetic location: 5q22.2.
Variant type: single nucleotide variant.
Coding change: c.6279C>T on transcript NM_000038.6 (MANE Select); coding-DNA position 6279, C replaced by T.
Protein change: p.Ser2093=; no amino-acid change (serine 2093 retained).
Molecular consequence: synonymous variant.
Genome position (GRCh38, 1-based): chr5:112,841,873, C>T. VCF-style: chr5-112841873-C-T. GRCh37 (hg19) VCF-style: chr5-112177570-C-T.
Other names: c.5430C>T, p.Ser1810= (NM_001354906.2); c.6279C>T, p.Ser2093= (NM_001127510.3, NM_001354895.2); c.6225C>T, p.Ser2075= (NM_001127511.3); c.6333C>T, p.Ser2111= (NM_001354896.2); c.6309C>T, p.Ser2103= (NM_001354897.2); c.6204C>T, p.Ser2068= (NM_001354898.2); c.6195C>T, p.Ser2065= (NM_001354899.2); c.6156C>T, p.Ser2052= (NM_001354900.2); and 5 more.
Identifiers: ClinVar variation 231321 (VCV000231321.21), dbSNP rs876659090, ClinGen allele CA10578424.

ClinVar aggregate classification (germline): Benign/Likely benign. Review status: criteria provided, multiple submitters, no conflicts (2 of 4 stars). 5 submissions from 5 submitters: Benign (1); Likely benign (4). Last evaluated 2026-01-13.

Conditions:
Familial adenomatous polyposis 1 (FAP1). Also called: FAMILIAL ADENOMATOUS POLYPOSIS 1, ATTENUATED; POLYPOSIS, ADENOMATOUS INTESTINAL. Identifiers: MedGen C2713442, MONDO:0021056, OMIM 175100. Disease mechanism: loss of function.
Hereditary cancer-predisposing syndrome. Also called: Neoplastic Syndromes, Hereditary; Tumor predisposition; Hereditary Cancer Syndrome; Hereditary neoplastic syndrome. Identifiers: Orphanet 140162, MedGen C0027672, MeSH D009386, MONDO:0015356.
Classic or attenuated familial adenomatous polyposis. Identifiers: MedGen CN372698, MONDO:0021057.

Submissions (5):

Labcorp Genetics (formerly Invitae), Labcorp
Classification: Likely benign for Familial adenomatous polyposis 1. Last evaluated: 2026-01-13. Review status: criteria provided, single submitter. Criteria: Invitae Variant Classification Sherloc (09022015). Collection method: clinical testing. Allele origin: germline.

All of Us Research Program, National Institutes of Health
Classification: Likely benign for Classic or attenuated familial adenomatous polyposis. Last evaluated: 2024-08-29. Review status: criteria provided, single submitter. Criteria: ACMG Guidelines, 2015. Collection method: clinical testing. Allele origin: germline. Inheritance: Autosomal dominant inheritance. Observed: 1 variant allele, 1 hemizygote.
Comment: This study involves interpretation of variants in research participants for the purpose of population health screening. Participant phenotype was not available at the time of variant classification. Additional details can be found in publication PMID: 35346344, PMCID: PMC8962531

Myriad Genetics, Inc.
Classification: Benign for Familial adenomatous polyposis 1. Last evaluated: 2024-04-04. Review status: criteria provided, single submitter. Criteria: Myriad Autosomal Dominant, Autosomal Recessive and X-Linked Classification Criteria (2023). Collection method: clinical testing. Allele origin: unknown.
Comment: This variant is considered benign. This variant is a silent/synonymous amino acid change and it is not expected to impact splicing.

Color Diagnostics, LLC DBA Color Health
Classification: Likely benign for Hereditary cancer-predisposing syndrome. Last evaluated: 2017-09-14. Review status: criteria provided, single submitter. Criteria: ACMG Guidelines, 2015. Collection method: clinical testing. Allele origin: germline.

Ambry Genetics
Classification: Likely benign for Hereditary cancer-predisposing syndrome. Last evaluated: 2015-04-16. Review status: criteria provided, single submitter. Criteria: Ambry Variant Classification Scheme 2023. Collection method: clinical testing. Allele origin: germline.